The following is an entry in ClinVar:

NM_001378120.1(MBD5):c.1330C>A (p.His444Asn)

Gene: MBD5 (methyl-CpG binding domain protein 5; plus strand). Cytogenetic location: 2q23.1.
Variant type: single nucleotide variant.
Coding change: c.1330C>A on transcript NM_001378120.1 (MANE Select); coding-DNA position 1330, C replaced by A.
Protein change: p.His444Asn; replaces histidine 444 with asparagine.
Molecular consequence: missense variant.
Genome position (GRCh38, 1-based): chr2:148,469,273, C>A. VCF-style: chr2-148469273-C-A. GRCh37 (hg19) VCF-style: chr2-149226842-C-A.
Other names: c.1330C>A, p.His444Asn (NM_018328.5); short protein forms H444N.
Identifiers: ClinVar variation 1302960 (VCV001302960.2), dbSNP rs2105631769, ClinGen allele CA348719458.

ClinVar aggregate classification (germline): Uncertain significance (1 of 4 stars; one submission).

Submission:

GeneDx
Classification: Uncertain significance. Last evaluated: 2019-11-14. Review status: criteria provided, single submitter. Criteria: GeneDx Variant Classification Process June 2021. Collection method: clinical testing. Allele origin: germline. Affected: yes.
Comment: Not observed in large population cohorts (Lek et al., 2016); In silico analysis, which includes protein predictors and evolutionary conservation, supports that this variant does not alter protein structure/function; Has not been previously published as pathogenic or benign to our knowledge